The following is an entry in ClinVar:

ClinVar aggregate classification (germline): Benign/Likely benign. Review status: criteria provided, multiple submitters, no conflicts (2 of 4 stars). 12 submissions from 10 submitters: Benign (5); Likely benign (7). Last evaluated 2026-06-02.

Conditions:
Hereditary cancer-predisposing syndrome. Also called: Neoplastic Syndromes, Hereditary; Hereditary Cancer Syndrome; Tumor predisposition; Hereditary neoplastic syndrome. Identifiers: Orphanet 140162, MedGen C0027672, MeSH D009386, MONDO:0015356.
Gastrointestinal stromal tumor. Also called: Gastrointestinal stromal tumor, somatic; Gastrointestinal stroma tumor. Identifiers: Orphanet 44890, MedGen C0238198, MeSH D046152, MONDO:0011719, OMIM 606764, HP:0100723.
Mastocytosis. Also called: Mast Cell Disease. Identifiers: Orphanet 98292, MedGen C0024899, MONDO:0007950, HP:0100495.
Piebaldism. Also called: Piebald skin depigmentation. Identifiers: Orphanet 2884, MedGen C0080024, MONDO:0008244, OMIM 172800, HP:0007544.

Allele frequency attached by ClinVar (database versions not stated): gnomAD exomes 0.00038; ExAC 0.00047; ESP Exome Variant Server 0.00108; 1000 Genomes Project 0.00160; gnomAD 0.00168 and 0.00182; TOPMed 0.00179; 1000 Genomes Project 30x 0.00187.
gnomAD v4.1: 518 of 1,614,226 alleles (0.032%); highest among the groups gnomAD compares: African/African-American, 0.61%; no homozygotes.

Submissions (12):

Myriad Genetics, Inc.
Classification: Benign for Gastrointestinal stromal tumor. Last evaluated: 2026-06-02. Review status: criteria provided, single submitter. Criteria: Myriad Autosomal Dominant, Autosomal Recessive and X-Linked Classification Criteria (2023). Collection method: clinical testing. Allele origin: unknown.
Comment: This variant is considered benign. This variant is a silent/synonymous amino acid change and it is not expected to impact splicing.

CeGaT Center for Human Genetics Tuebingen
Classification: Likely benign. Last evaluated: 2026-05-01. Review status: criteria provided, single submitter. Criteria: CeGaT Center For Human Genetics Tuebingen Variant Classification Criteria Version 2. Collection method: clinical testing. Allele origin: germline. Affected: yes. Observed: 3 variant alleles.
Comment: KIT: BP4, BP7

Labcorp Genetics (formerly Invitae), Labcorp
Classification: Benign for Gastrointestinal stromal tumor. Last evaluated: 2026-02-04. Review status: criteria provided, single submitter. Criteria: Invitae Variant Classification Sherloc (09022015). Collection method: clinical testing. Allele origin: germline.

Blueprint Genetics
Classification: Likely benign. Last evaluated: 2024-10-17. Review status: criteria provided, single submitter. Criteria: ACMG Guidelines, 2015. Collection method: clinical testing. Allele origin: germline.

ARUP Laboratories, Molecular Genetics and Genomics, ARUP Laboratories
Classification: Likely benign. Last evaluated: 2024-03-20. Review status: criteria provided, single submitter. Criteria: ARUP Molecular Germline Variant Investigation Process 2024. Collection method: clinical testing. Allele origin: germline.

KCCC/NGS Laboratory, Kuwait Cancer Control Center
Classification: Benign for Gastrointestinal stromal tumor. Last evaluated: 2023-07-07. Review status: criteria provided, single submitter. Criteria: ACMG Guidelines, 2015. Collection method: clinical testing. Allele origin: germline. Affected: yes.

Sema4
Classification: Likely benign for Hereditary cancer-predisposing syndrome. Last evaluated: 2021-07-21. Review status: criteria provided, single submitter. Criteria: Sema4 Curation Guidelines. Collection method: curation. Allele origin: germline.

Ambry Genetics
Classification: Likely benign for Hereditary cancer-predisposing syndrome. Last evaluated: 2018-10-02. Review status: criteria provided, single submitter. Criteria: Ambry Variant Classification Scheme 2023. Collection method: clinical testing. Allele origin: germline.

Illumina Laboratory Services, Illumina
Classification: Benign for Gastrointestinal stromal tumor. Last evaluated: 2017-04-27. Review status: criteria provided, single submitter. Criteria: ICSL Variant Classification Criteria 13 December 2019. Collection method: clinical testing. Allele origin: germline.
Comment: This variant was observed as part of a predisposition screen in an ostensibly healthy population. A literature search was performed for the gene, cDNA change, and amino acid change (where applicable). No publications were found based on this search. Allele frequency data from public databases was too high to be consistent with this variant causing disease. Therefore, this variant is classified as benign.

Illumina Laboratory Services, Illumina
Classification: Benign for Cutaneous mastocytosis. Last evaluated: 2017-04-27. Review status: criteria provided, single submitter. Criteria: ICSL Variant Classification Criteria 13 December 2019. Collection method: clinical testing. Allele origin: germline.
Comment: the same text as in the submission from Illumina Laboratory Services, Illumina above.

Illumina Laboratory Services, Illumina
Classification: Likely benign for Piebaldism. Last evaluated: 2017-04-27. Review status: criteria provided, single submitter. Criteria: ICSL Variant Classification Criteria 13 December 2019. Collection method: clinical testing. Allele origin: germline.
Comment: This variant was observed as part of a predisposition screen in an ostensibly healthy population. A literature search was performed for the gene, cDNA change, and amino acid change (where applicable). No publications were found based on this search. Allele frequency data from public databases allowed determination this variant is unlikely to cause disease. Therefore, this variant is classified as likely benign.

Breakthrough Genomics
Classification: Likely benign. Review status: criteria provided, single submitter. Criteria: ACMG Guidelines, 2015. Collection method: not provided. Allele origin: germline. Inheritance: Autosomal dominant inheritance. Affected: yes.

NM_000222.3(KIT):c.123A>T (p.Pro41=)

Gene: KIT (KIT proto-oncogene, receptor tyrosine kinase; plus strand). Cytogenetic location: 4q12.
Variant type: single nucleotide variant.
Coding change: c.123A>T on transcript NM_000222.3 (MANE Select); coding-DNA position 123, A replaced by T.
Protein change: p.Pro41=; no amino-acid change (proline 41 retained).
Molecular consequence: synonymous variant.
Genome position (GRCh38, 1-based): chr4:54,695,567, A>T. VCF-style: chr4-54695567-A-T. GRCh37 (hg19) VCF-style: chr4-55561733-A-T.
Other names: c.123A>T, p.Pro41= (NM_001093772.2, NM_001385284.1, NM_001385285.1 and 4 more transcripts).
Identifiers: ClinVar variation 221126 (VCV000221126.47), dbSNP rs72549300, ClinGen allele CA348253.